The following is an entry in ClinVar:

ClinVar aggregate classification (germline): Benign. Review status: criteria provided, multiple submitters, no conflicts (2 of 4 stars). 5 submissions from 5 submitters: Benign (5). Last evaluated 2026-02-04.

Conditions:
Dubin-Johnson syndrome (DJS). Also called: HYPERBILIRUBINEMIA, DUBIN-JOHNSON TYPE; Jaundice, Chronic Idiopathic; Hyperbilirubinemia type 2. Identifiers: Orphanet 234, MedGen C0022350, MONDO:0009380, OMIM 237500.

Allele frequency attached by ClinVar (database versions not stated): 1000 Genomes Project 30x 0.03716; 1000 Genomes Project 0.03814; ExAC 0.04328; gnomAD exomes 0.04534 and 0.05263; gnomAD 0.05477 and 0.05622; TOPMed 0.05948; ESP Exome Variant Server 0.06105.

Submissions (5):

Labcorp Genetics (formerly Invitae), Labcorp
Classification: Benign. Last evaluated: 2026-02-04. Review status: criteria provided, single submitter. Criteria: Invitae Variant Classification Sherloc (09022015). Collection method: clinical testing. Allele origin: germline.

Mayo Clinic Laboratories, Mayo Clinic
Classification: Benign. Last evaluated: 2022-04-29. Review status: criteria provided, single submitter. Criteria: ACMG Guidelines, 2015. Collection method: clinical testing. Allele origin: germline. Observed: 50 variant alleles.

GeneDx
Classification: Benign. Last evaluated: 2018-11-10. Review status: criteria provided, single submitter. Criteria: GeneDx Variant Classification Process June 2021. Collection method: clinical testing. Allele origin: germline. Affected: yes.

Illumina Laboratory Services, Illumina
Classification: Benign for Dubin-Johnson syndrome. Last evaluated: 2018-01-12. Review status: criteria provided, single submitter. Criteria: ICSL Variant Classification Criteria 13 December 2019. Collection method: clinical testing. Allele origin: germline.
Comment: This variant was observed in the ICSL laboratory as part of a predisposition screen in an ostensibly healthy population. It had not been previously curated by ICSL or reported in the Human Gene Mutation Database (HGMD: prior to June 1st, 2018), and was therefore a candidate for classification through an automated scoring system. Utilizing variant allele frequency, disease prevalence and penetrance estimates, and inheritance mode, an automated score was calculated to assess if this variant is too frequent to cause the disease. Based on the score and internal cut-off values, a variant classified as benign is not then subjected to further curation. The score for this variant resulted in a classification of benign for this disease.

Breakthrough Genomics
Classification: Benign. Review status: criteria provided, single submitter. Criteria: ACMG Guidelines, 2015. Collection method: not provided. Allele origin: germline. Inheritance: Autosomal recessive inheritance. Affected: yes.

NM_000392.5(ABCC2):c.4508+12G>A

Gene: ABCC2 (ATP binding cassette subfamily C member 2; plus strand). Cytogenetic location: 10q24.2.
Variant type: single nucleotide variant.
Coding change: c.4508+12G>A on transcript NM_000392.5 (MANE Select); 12 bases into the intron after coding-DNA position 4508, G replaced by A.
Molecular consequence: intron variant.
Genome position (GRCh38, 1-based): chr10:99,850,808, G>A. VCF-style: chr10-99850808-G-A. GRCh37 (hg19) VCF-style: chr10-101610565-G-A.
Other names: p.?; c.4508+12G>A (LRG_1208t1).
Identifiers: ClinVar variation 298480 (VCV000298480.15), dbSNP rs17216212, ClinGen allele CA5644160.